The following is an entry in ClinVar:

NM_005609.4(PYGM):c.1215C>T (p.Tyr405=)

Gene: PYGM (glycogen phosphorylase, muscle associated; minus strand). Cytogenetic location: 11q13.1.
Variant type: single nucleotide variant.
Coding change: c.1215C>T on transcript NM_005609.4 (MANE Select); coding-DNA position 1215, C replaced by T.
Protein change: p.Tyr405=; no amino-acid change (tyrosine 405 retained).
Molecular consequence: synonymous variant.
Genome position (GRCh38, 1-based): chr11:64,753,903, G>A on the plus strand (C>T on the coding strand, the complement: PYGM is on the minus strand). VCF-style: chr11-64753903-G-A. GRCh37 (hg19) VCF-style: chr11-64521375-G-A.
Other names: c.951C>T, p.Tyr317= (NM_001164716.1).
Identifiers: ClinVar variation 509669 (VCV000509669.16), dbSNP rs371264447, ClinGen allele CA6079969.
Genomic context (GRCh38, chr11:64,753,903, plus strand): 5'-TCACCCCCACACCATCCCCCAAGCCTCCGGACTCACGTTGAGGAAGCGCTGGTTGATCTC[G>A]TAGATGATCTGGAGGTGCCGCGGCAGCAGCGTCTCCAAGAGGTGCACCGGCCAGCGCTCC-3'
Protein context (NP_005600.1, residues 395-415): TLLPRHLQII[Tyr405=]EINQRFLNRV

ClinVar aggregate classification (germline): Benign/Likely benign. Review status: criteria provided, multiple submitters, no conflicts (2 of 4 stars). 4 submissions from 4 submitters: Benign (1); Likely benign (2). 1 of the submissions does not count toward it. Last evaluated 2026-02-01.

Conditions:
Glycogen storage disease, type V (GSD5). Also called: McArdle type glycogen storage disease; MCARDLE DISEASE; MUSCLE GLYCOGEN PHOSPHORYLASE DEFICIENCY; MYOPHOSPHORYLASE DEFICIENCY; PYGM DEFICIENCY. Identifiers: Orphanet 368, MedGen C0017924, MONDO:0009293, OMIM 232600.

Allele frequency attached by ClinVar (database versions not stated): ESP Exome Variant Server 0.00008; gnomAD 0.00015 and 0.00001; TOPMed 0.00003; gnomAD exomes 0.00081; 1000 Genomes Project 30x 0.00141; 1000 Genomes Project 0.00160; ExAC 0.00207.
gnomAD v4.1: 535 of 1,585,920 alleles (0.034%); highest among the groups gnomAD compares: South Asian, 0.57%; 12 homozygotes.

Submissions (4):

Labcorp Genetics (formerly Invitae), Labcorp
Classification: Benign for Glycogen storage disease, type V. Last evaluated: 2026-02-01. Review status: criteria provided, single submitter. Criteria: Invitae Variant Classification Sherloc (09022015). Collection method: clinical testing. Allele origin: germline.

ARUP Laboratories, Molecular Genetics and Genomics, ARUP Laboratories
Classification: Likely benign for Glycogen storage disease, type V. Last evaluated: 2025-04-03. Review status: criteria provided, single submitter. Criteria: ARUP Molecular Germline Variant Investigation Process 2024. Collection method: clinical testing. Allele origin: germline.

GeneDx
Classification: Likely benign. Last evaluated: 2017-06-01. Review status: criteria provided, single submitter. Criteria: GeneDx Variant Classification (06012015). Collection method: clinical testing. Allele origin: germline. Affected: yes.
Comment: This variant is considered likely benign or benign based on one or more of the following criteria: it is a conservative change, it occurs at a poorly conserved position in the protein, it is predicted to be benign by multiple in silico algorithms, and/or has population frequency not consistent with disease.

Natera, Inc.
Classification: Likely benign for Glycogen storage disease V. Last evaluated: 2019-12-09. Review status: no assertion criteria provided. Collection method: clinical testing. Allele origin: germline. Not counted in ClinVar's aggregate classification.